The following is an entry in ClinVar:

ClinVar aggregate classification (germline): Conflicting classifications of pathogenicity. Review status: criteria provided, conflicting classifications (1 of 4 stars). 3 submissions from 3 submitters: Pathogenic (1); Uncertain significance (2). Last evaluated 2026-08-17.

Conditions:
Propionic acidemia (PROP). Also called: GLYCINEMIA, KETOTIC; HYPERGLYCINEMIA WITH KETOACIDOSIS AND LEUKOPENIA; KETOTIC HYPERGLYCINEMIA. Identifiers: Orphanet 35, MedGen C0268579, MONDO:0011628, OMIM 606054, HP:0003571.

Allele frequency attached by ClinVar (database versions not stated): gnomAD exomes below 0.00001.
gnomAD v4.1: 2 of 1,614,054 alleles (0.00012%); highest among the groups gnomAD compares: Non-Finnish European, 0.00017%; no homozygotes.

Submissions (3):

Myriad Genetics, Inc.
Classification: Uncertain significance for Propionic acidemia. Last evaluated: 2026-08-17. Review status: criteria provided, single submitter. Criteria: Myriad Autosomal Dominant, Autosomal Recessive and X-Linked Classification Criteria (2023). Collection method: clinical testing. Allele origin: unknown.
Comment: NM_000282.3(PCCA):c.877C>G(Q293E) is a missense variant classified as a variant of uncertain significance in the context of PCCA-related propionic acidemia. Q293E has been observed in a case with relevant disease (PMID: 15164333). Relevant functional assessments of this variant are not available in the literature. Q293E has not been observed in referenced population frequency databases. In summary, there is insufficient evidence to classify NM_000282.3(PCCA):c.877C>G(Q293E) as pathogenic or benign. Please note: this variant was assessed in the context of healthy population screening.

Women's Health and Genetics/Laboratory Corporation of America, LabCorp
Classification: Uncertain significance. Last evaluated: 2025-06-16. Review status: criteria provided, single submitter. Criteria: LabCorp Variant Classification Summary - May 2015. Collection method: clinical testing. Allele origin: germline.
Comment: Variant summary: PCCA c.877C>G (p.Gln293Glu) results in a conservative amino acid change in the encoded protein sequence. Algorithms developed to predict the effect of missense changes on protein structure and function are either unavailable or do not agree on the potential impact of this missense change. The variant was absent in 251330 control chromosomes (gnomAD). c.877C>G has been observed in at least one individual affected with Propionic Acidemia (Lucke_2004). These data do not allow any conclusion about variant significance. In addition, another variant (p.Gln293Arg) has been classified as likely pathogenic/pathogenic in ClinVar, supporting the functional/clinical importance of this residue of the protein. To our knowledge, no experimental evidence demonstrating an impact on protein function has been reported. ClinVar contains an entry for this variant (Variation ID: 2137535). Based on the evidence outlined above, the variant was classified as VUS-possibly pathogenic.

Labcorp Genetics (formerly Invitae), Labcorp
Classification: Pathogenic for Propionic acidemia. Last evaluated: 2022-08-21. Review status: criteria provided, single submitter. Criteria: Invitae Variant Classification Sherloc (09022015). Collection method: clinical testing. Allele origin: germline.
Comment: For these reasons, this variant has been classified as Pathogenic. This variant disrupts the p.Gln293 amino acid residue in PCCA. Other variant(s) that disrupt this residue have been determined to be pathogenic (PMID: 23430860, 27227689; Invitae). This suggests that this residue is clinically significant, and that variants that disrupt this residue are likely to be disease-causing. Advanced modeling of protein sequence and biophysical properties (such as structural, functional, and spatial information, amino acid conservation, physicochemical variation, residue mobility, and thermodynamic stability) performed at Invitae indicates that this missense variant is expected to disrupt PCCA protein function. This missense change has been observed in individual(s) with propionic acidemia (PMID: 15164333). This variant is not present in population databases (gnomAD no frequency). This sequence change replaces glutamine, which is neutral and polar, with glutamic acid, which is acidic and polar, at codon 293 of the PCCA protein (p.Gln293Glu).

Literature cited by the submitters: PubMed 15164333 (cited by 3 submitters); PubMed 29033250 (cited by Women's Health and Genetics/Laboratory Corporation of America, LabCorp); PubMed 35296328 (cited by Women's Health and Genetics/Laboratory Corporation of America, LabCorp); PubMed 23430860 (cited by Labcorp Genetics (formerly Invitae), Labcorp); PubMed 27227689 (cited by Labcorp Genetics (formerly Invitae), Labcorp).

NM_000282.4(PCCA):c.877C>G (p.Gln293Glu)

Gene: PCCA (propionyl-CoA carboxylase subunit alpha; plus strand). Cytogenetic location: 13q32.3.
Variant type: single nucleotide variant.
Coding change: c.877C>G on transcript NM_000282.4 (MANE Select); coding-DNA position 877, C replaced by G.
Protein change: p.Gln293Glu; replaces glutamine 293 with glutamic acid.
Molecular consequence: missense variant. On other transcripts: 5 prime UTR variant (3), non-coding transcript variant (5).
Genome position (GRCh38, 1-based): chr13:100,268,746, C>G. VCF-style: chr13-100268746-C-G. GRCh37 (hg19) VCF-style: chr13-100921000-C-G.
Other names: c.799C>G, p.Gln267Glu (NM_001127692.3, NM_001352607.2, NM_001352608.2); c.877C>G, p.Gln293Glu (NM_001178004.2, NM_001352605.2, NM_001352606.2 and 1 more transcripts); c.-69C>G (NM_001352610.2, NM_001352611.2, NM_001352612.2); short protein forms Q267E, Q293E.
Identifiers: ClinVar variation 2137535 (VCV002137535.6), dbSNP rs2547957968, ClinGen allele CA388694573.
Genomic context (GRCh38, chr13:100,268,746, plus strand): 5'-CAGGTTCTAGGTGATAAACATGGGAATGCTTTATGGCTTAATGAAAGAGAGTGCTCAATT[C>G]AGAGAAGAAATCAGAAGGTGGTGGAGGAAGCACCAAGGTAAGTCTCCTAAGAAACATTTA-3'
Protein context (NP_000273.2, residues 283-303): LWLNERECSI[Gln293Glu]RRNQKVVEEA